The following is an entry in ClinVar:

ClinVar aggregate classification (germline): Conflicting classifications of pathogenicity. Review status: criteria provided, conflicting classifications (1 of 4 stars). 3 submissions from 3 submitters: Uncertain significance (2); Likely benign (1). Last evaluated 2025-12-21.

Conditions:
Hereditary cancer-predisposing syndrome. Also called: Hereditary neoplastic syndrome; Tumor predisposition; Hereditary Cancer Syndrome; Neoplastic Syndromes, Hereditary. Identifiers: Orphanet 140162, MedGen C0027672, MeSH D009386, MONDO:0015356.
Gastrointestinal stromal tumor. Also called: Gastrointestinal stroma tumor; Gastrointestinal stromal tumor, somatic. Identifiers: Orphanet 44890, MedGen C0238198, MeSH D046152, MONDO:0011719, OMIM 606764, HP:0100723.

Submissions (3):

Labcorp Genetics (formerly Invitae), Labcorp
Classification: Likely benign for Gastrointestinal stromal tumor. Last evaluated: 2025-12-21. Review status: criteria provided, single submitter. Criteria: Invitae Variant Classification Sherloc (09022015). Collection method: clinical testing. Allele origin: germline.

Ambry Genetics
Classification: Uncertain significance for Hereditary cancer-predisposing syndrome. Last evaluated: 2025-12-02. Review status: criteria provided, single submitter. Criteria: Ambry Variant Classification Scheme 2023. Collection method: clinical testing. Allele origin: germline.
Comment: The c.1461C>T variant (also known as p.G487G), located in coding exon 9 of the KIT gene, results from a C to T substitution at nucleotide position 1461. This nucleotide substitution does not change the amino acid at codon 487. This nucleotide position is well conserved in available vertebrate species. In silico splice site analysis for this alteration is inconclusive. Based on the available evidence, the clinical significance of this variant remains unclear.

GeneDx
Classification: Uncertain significance. Last evaluated: 2024-12-13. Review status: criteria provided, single submitter. Criteria: GeneDx Variant Classification Process June 2021. Collection method: clinical testing. Allele origin: germline. Affected: yes.
Comment: Not observed at significant frequency in large population cohorts (gnomAD); In silico analysis indicates that this variant does not alter splicing; Has not been previously published as pathogenic or benign to our knowledge

NM_000222.3(KIT):c.1461C>T (p.Gly487=)

Gene: KIT (KIT proto-oncogene, receptor tyrosine kinase; plus strand). Cytogenetic location: 4q12.
Variant type: single nucleotide variant.
Coding change: c.1461C>T on transcript NM_000222.3 (MANE Select); coding-DNA position 1461, C replaced by T.
Protein change: p.Gly487=; no amino-acid change (glycine 487 retained).
Molecular consequence: synonymous variant.
Genome position (GRCh38, 1-based): chr4:54,725,971, C>T. VCF-style: chr4-54725971-C-T. GRCh37 (hg19) VCF-style: chr4-55592137-C-T.
Other names: c.1461C>T (NM_000222.2); c.1461C>T, p.Gly487= (NM_001093772.2, NM_001385285.1, NM_001385286.1); c.1464C>T, p.Gly488= (NM_001385284.1, NM_001385288.1, NM_001385290.1 and 1 more transcripts).
Identifiers: ClinVar variation 1435219 (VCV001435219.17), dbSNP rs1048122979, ClinGen allele CA96874824.